The following is an entry in ClinVar:

NM_198428.3(BBS9):c.1928A>G (p.Gln643Arg)

Gene: BBS9 (Bardet-Biedl syndrome 9; plus strand). Cytogenetic location: 7p14.3.
Variant type: single nucleotide variant.
Coding change: c.1928A>G on transcript NM_198428.3 (MANE Select); coding-DNA position 1928, A replaced by G.
Protein change: p.Gln643Arg; replaces glutamine 643 with arginine.
Molecular consequence: missense variant. On other transcripts: non-coding transcript variant (3).
Genome position (GRCh38, 1-based): chr7:33,383,804, A>G. VCF-style: chr7-33383804-A-G. GRCh37 (hg19) VCF-style: chr7-33423416-A-G.
Other names: c.1823A>G, p.Gln608Arg (NM_001033604.2); c.1913A>G, p.Gln638Arg (NM_001033605.2); c.1928A>G, p.Gln643Arg (NM_001348036.1, NM_001348041.4, NM_001348043.3 and 1 more transcripts); c.1562A>G, p.Gln521Arg (NM_001348037.3, NM_001348045.3, NM_001348046.3); c.1655A>G, p.Gln552Arg (NM_001348038.3); c.1550A>G, p.Gln517Arg (NM_001348039.3); c.1808A>G, p.Gln603Arg (NM_001348040.3, NM_014451.4); c.1793A>G, p.Gln598Arg (NM_001348042.3); and 1 more; short protein forms Q603R, Q638R, Q486R, Q552R, Q643R, Q517R, Q521R, Q598R.
Identifiers: ClinVar variation 855369 (VCV000855369.10), dbSNP rs1048014676, ClinGen allele CA156731709.

ClinVar aggregate classification (germline): Uncertain significance. Review status: criteria provided, multiple submitters, no conflicts (2 of 4 stars). 3 submissions from 3 submitters: Uncertain significance (3). Last evaluated 2026-07-20.

Conditions:
BBS9-related disorder. Also called: BBS9-related condition.
Bardet-Biedl syndrome 9 (BBS9). Identifiers: Orphanet 110, MedGen C1859567, MONDO:0014437, OMIM 615986.
Bardet-Biedl syndrome (BBS). Identifiers: Orphanet 110, MedGen C0752166, MONDO:0015229.

Allele frequency attached by ClinVar (database versions not stated): gnomAD exomes 0.00001.
gnomAD v4.1: 4 of 1,612,586 alleles (0.00025%); highest among the groups gnomAD compares: Non-Finnish European, 0.00025%; no homozygotes.

Submissions (3):

PreventionGenetics, part of Exact Sciences
Classification: Uncertain significance for BBS9-related condition. Last evaluated: 2026-07-20. Review status: criteria provided, single submitter. Criteria: ACMG Guidelines, 2015. Collection method: clinical testing. Allele origin: germline.
Comment: The BBS9 c.1928A>G variant is predicted to result in the amino acid substitution p.Gln643Arg. To our knowledge, this variant has not been reported in the literature or in a large population database, indicating this variant is rare. At this time, the clinical significance of this variant is uncertain due to the absence of conclusive functional and genetic evidence.

Fulgent Genetics
Classification: Uncertain significance for Bardet-Biedl syndrome 9. Last evaluated: 2024-03-23. Review status: criteria provided, single submitter. Criteria: ACMG Guidelines, 2015. Collection method: clinical testing. Allele origin: germline.

Labcorp Genetics (formerly Invitae), Labcorp
Classification: Uncertain significance for Bardet-Biedl syndrome. Last evaluated: 2022-08-16. Review status: criteria provided, single submitter. Criteria: Invitae Variant Classification Sherloc (09022015). Collection method: clinical testing. Allele origin: germline.
Comment: This sequence change replaces glutamine, which is neutral and polar, with arginine, which is basic and polar, at codon 643 of the BBS9 protein (p.Gln643Arg). This variant is not present in population databases (gnomAD no frequency). This variant has not been reported in the literature in individuals affected with BBS9-related conditions. ClinVar contains an entry for this variant (Variation ID: 855369). Algorithms developed to predict the effect of missense changes on protein structure and function are either unavailable or do not agree on the potential impact of this missense change (SIFT: "Deleterious"; PolyPhen-2: "Benign"; Align-GVGD: "Class C0"). In summary, the available evidence is currently insufficient to determine the role of this variant in disease. Therefore, it has been classified as a Variant of Uncertain Significance.